The following is an entry in ClinVar:

NM_001374353.1(GLI2):c.894G>T (p.Gln298His)

Gene: GLI2 (GLI family zinc finger 2; plus strand). Cytogenetic location: 2q14.2.
Variant type: single nucleotide variant.
Coding change: c.894G>T on transcript NM_001374353.1 (MANE Select); coding-DNA position 894, G replaced by T.
Protein change: p.Gln298His; replaces glutamine 298 with histidine.
Molecular consequence: missense variant.
Genome position (GRCh38, 1-based): chr2:120,970,441, G>T. VCF-style: chr2-120970441-G-T. GRCh37 (hg19) VCF-style: chr2-121728017-G-T.
Other names: c.894G>T, p.Gln298His (NM_001371271.1, NM_005270.5); c.519G>T, p.Gln173His (NM_001374354.1); short protein forms Q173H, Q298H.
Identifiers: ClinVar variation 4686120 (VCV004686120.1).

ClinVar aggregate classification (germline): Uncertain significance (1 of 4 stars; one submission).

gnomAD v4.1: 2 of 1,613,774 alleles (0.00012%); no homozygotes.

Submission:

GeneDx
Classification: Uncertain significance. Last evaluated: 2025-07-14. Review status: criteria provided, single submitter. Criteria: GeneDx Variant Classification Process June 2021. Collection method: clinical testing. Allele origin: germline. Affected: yes.
Comment: Not observed at significant frequency in large population cohorts (gnomAD); In silico analysis supports that this missense variant has a deleterious effect on protein structure/function; Has not been previously published as pathogenic or benign to our knowledge